The following is an entry in ClinVar:

ClinVar aggregate classification (germline): Likely benign (1 of 4 stars; one submission).

Allele frequency attached by ClinVar (database versions not stated): 1000 Genomes Project 0.00040; 1000 Genomes Project 30x 0.00047.

Submission:

CeGaT Center for Human Genetics Tuebingen
Classification: Likely benign. Last evaluated: 2024-02-01. Review status: criteria provided, single submitter. Criteria: CeGaT Center For Human Genetics Tuebingen Variant Classification Criteria Version 2. Collection method: clinical testing. Allele origin: germline. Affected: yes. Observed: 1 variant allele.
Comment: AHNAK2: BP4, BP7, BS2

NM_138420.4(AHNAK2):c.4710C>T (p.Ala1570=)

Gene: AHNAK2 (AHNAK nucleoprotein 2; minus strand). Cytogenetic location: 14q32.33.
Variant type: single nucleotide variant.
Coding change: c.4710C>T on transcript NM_138420.4 (MANE Select); coding-DNA position 4710, C replaced by T.
Protein change: p.Ala1570=; no amino-acid change (alanine 1570 retained).
Molecular consequence: synonymous variant.
Genome position (GRCh38, 1-based): chr14:104,950,741, G>A on the plus strand (C>T on the coding strand, the complement: AHNAK2 is on the minus strand). VCF-style: chr14-104950741-G-A. GRCh37 (hg19) VCF-style: chr14-105417078-G-A.
Other names: c.4410C>T, p.Ala1470= (NM_001350929.2).
Identifiers: ClinVar variation 3024994 (VCV003024994.22), dbSNP rs561568449, ClinGen allele CA7382263.
Genomic context (GRCh38, chr14:104,950,741, plus strand): 5'-GTCCACTTTGGGCATCTTGAAACTGGGCATCTGCACTTTGGGCAGGTGCCCTTTGAGGCC[G>A]GCTCCCTCGGACACAGGGCCCTCTGGGAGTTTCACGTCCACTTGGCCAGCCTGGACCTCC-3'
Protein context (NP_612429.2, residues 1560-1580): KLPEGPVSEG[Ala1570=]GLKGHLPKVQ